The following is an entry in ClinVar:

ClinVar aggregate classification (germline): Uncertain significance (1 of 4 stars; one submission).

Conditions:
Familial cold autoinflammatory syndrome 3 (FCAS3). Also called: FAMILIAL ATYPICAL COLD URTICARIA; ANTIBODY DEFICIENCY AND IMMUNE DYSREGULATION, PLCG2-ASSOCIATED. Identifiers: Orphanet 300359, MedGen C3280914, MONDO:0013766, OMIM 614468.

Submission:

Labcorp Genetics (formerly Invitae), Labcorp
Classification: Uncertain significance for Familial cold autoinflammatory syndrome 3. Last evaluated: 2023-08-02. Review status: criteria provided, single submitter. Criteria: Invitae Variant Classification Sherloc (09022015). Collection method: clinical testing. Allele origin: germline.
Comment: In summary, the available evidence is currently insufficient to determine the role of this variant in disease. Therefore, it has been classified as a Variant of Uncertain Significance. An algorithm developed to predict the effect of missense changes on protein structure and function (PolyPhen-2) suggests that this variant is likely to be disruptive. This variant has not been reported in the literature in individuals affected with PLCG2-related conditions. This variant is not present in population databases (gnomAD no frequency). This sequence change replaces glycine, which is neutral and non-polar, with valine, which is neutral and non-polar, at codon 581 of the PLCG2 protein (p.Gly581Val).

NM_002661.5(PLCG2):c.1742G>T (p.Gly581Val)

Gene: PLCG2 (phospholipase C gamma 2; plus strand). Cytogenetic location: 16q23.3.
Variant type: single nucleotide variant.
Coding change: c.1742G>T on transcript NM_002661.5 (MANE Select); coding-DNA position 1742, G replaced by T.
Protein change: p.Gly581Val; replaces glycine 581 with valine.
Molecular consequence: missense variant.
Genome position (GRCh38, 1-based): chr16:81,910,528, G>T. VCF-style: chr16-81910528-G-T. GRCh37 (hg19) VCF-style: chr16-81944133-G-T.
Other names: c.1742G>T, p.Gly581Val (NM_001425749.1, NM_001425750.1, NM_001425751.1); short protein forms G581V.
Identifiers: ClinVar variation 2747447 (VCV002747447.3), dbSNP rs2507674561, ClinGen allele CA396900790.
Genomic context (GRCh38, chr16:81,910,528, plus strand): 5'-GCAATGGCCTGGCCTGCGTTCTCCCAGCACTGATGGCGTCCTCTCCCCGCAGGCGGTCAG[G>T]CCGGGTCCAGCACTGCCGGATCCGCTCCACCATGGAGGGCGGGACCCTGAAATACTACTT-3'
Protein context (NP_002652.2, residues 571-591): NDYTLSFWRS[Gly581Val]RVQHCRIRST